The following is an entry in ClinVar:

ClinVar aggregate classification (germline): Uncertain significance (1 of 4 stars; one submission).

gnomAD v4.1: 1 of 1,613,940 alleles (0.000062%); highest among the groups gnomAD compares: Non-Finnish European, 0.000085%; no homozygotes.

Submission:

Women's Health and Genetics/Laboratory Corporation of America, LabCorp
Classification: Uncertain significance. Last evaluated: 2024-05-01. Review status: criteria provided, single submitter. Criteria: LabCorp Variant Classification Summary - May 2015. Collection method: clinical testing. Allele origin: germline.
Comment: Variant summary: LPL c.636C>G (p.Phe212Leu) results in a non-conservative amino acid change located in the Lipase domain (IPR013818) of the encoded protein sequence. Three of four in-silico tools predict a damaging effect of the variant on protein function. The variant was absent in 251444 control chromosomes. The available data on variant occurrences in the general population are insufficient to allow any conclusion about variant significance. c.636C>G has been reported in the literature in one individual affected with Familial Lipoprotein Lipase Deficiency (Hegele_2018). These data do not allow any conclusion about variant significance. To our knowledge, no experimental evidence demonstrating an impact on protein function has been reported. The following publication has been ascertained in the context of this evaluation (PMID: 29748148). No submitters have cited clinical-significance assessments for this variant to ClinVar. Based on the evidence outlined above, the variant was classified as uncertain significance.

Literature cited by the submitters: PubMed 29748148.

NM_000237.3(LPL):c.636C>G (p.Phe212Leu)

Gene: LPL (lipoprotein lipase; plus strand). Cytogenetic location: 8p21.3.
Variant type: single nucleotide variant.
Coding change: c.636C>G on transcript NM_000237.3 (MANE Select); coding-DNA position 636, C replaced by G.
Protein change: p.Phe212Leu; replaces phenylalanine 212 with leucine.
Molecular consequence: missense variant.
Genome position (GRCh38, 1-based): chr8:19,954,214, C>G. VCF-style: chr8-19954214-C-G. GRCh37 (hg19) VCF-style: chr8-19811725-C-G.
Other names: short protein forms F212L.
Identifiers: ClinVar variation 3336283 (VCV003336283.1).
Genomic context (GRCh38, chr8:19,954,214, plus strand): 5'-AGAAGCCCCGAGTCGTCTTTCTCCTGATGATGCAGATTTTGTAGACGTCTTACACACATT[C>G]ACCAGAGGGTCCCCTGGTCGAAGCATTGGAATCCAGAAACCAGTTGGGCATGTTGACATT-3'
Protein context (NP_000228.1, residues 202-222): DADFVDVLHT[Phe212Leu]TRGSPGRSIG